The following is an entry in ClinVar:

NM_032360.4(ACBD6):c.663+7G>A

Gene: ACBD6 (acyl-CoA binding domain containing 6; minus strand). Cytogenetic location: 1q25.3.
Variant type: single nucleotide variant.
Coding change: c.663+7G>A on transcript NM_032360.4 (MANE Select); 7 bases into the intron after coding-DNA position 663, G replaced by A.
Molecular consequence: intron variant.
Genome position (GRCh38, 1-based): chr1:180,397,509, C>T on the plus strand (G>A on the coding strand, the complement: ACBD6 is on the minus strand). VCF-style: chr1-180397509-C-T. GRCh37 (hg19) VCF-style: chr1-180366644-C-T.
Identifiers: ClinVar variation 3048595 (VCV003048595.2), dbSNP rs200911700, ClinGen allele CA1272187.

ClinVar aggregate classification (germline): Likely benign (0 of 4 stars; one submission).

Conditions:
ACBD6-related disorder. Also called: ACBD6-related condition.

Allele frequency attached by ClinVar (database versions not stated): ESP Exome Variant Server 0.00008; ExAC 0.00017; gnomAD 0.00029; gnomAD exomes 0.00048.
gnomAD v4.1: 727 of 1,610,308 alleles (0.045%); highest among the groups gnomAD compares: Non-Finnish European, 0.058%; 2 homozygotes.

Submission:

PreventionGenetics, part of Exact Sciences
Classification: Likely benign for ACBD6-related condition. Last evaluated: 2019-11-18. Review status: no assertion criteria provided. Collection method: clinical testing. Allele origin: germline.
Comment: This variant is classified as likely benign based on ACMG/AMP sequence variant interpretation guidelines (Richards et al. 2015 PMID: 25741868, with internal and published modifications).